The following is an entry in ClinVar:

NM_000108.5(DLD):c.623C>T (p.Ser208Phe)

Gene: DLD (dihydrolipoamide dehydrogenase; plus strand). Cytogenetic location: 7q31.1.
Variant type: single nucleotide variant.
Coding change: c.623C>T on transcript NM_000108.5 (MANE Select); coding-DNA position 623, C replaced by T.
Protein change: p.Ser208Phe; replaces serine 208 with phenylalanine.
Molecular consequence: missense variant.
Genome position (GRCh38, 1-based): chr7:107,906,307, C>T. VCF-style: chr7-107906307-C-T. GRCh37 (hg19) VCF-style: chr7-107546752-C-T.
Other names: c.326C>T, p.Ser109Phe (NM_001289750.1); c.554C>T, p.Ser185Phe (NM_001289751.1); c.479C>T, p.Ser160Phe (NM_001289752.1); short protein forms S109F, S160F, S185F, S208F.
Identifiers: ClinVar variation 4536983 (VCV004536983.1).
Genomic context (GRCh38, chr7:107,906,307, plus strand): 5'-ATCTTTTGTTTTTCTTACAGATAGATGAAGATACAATAGTGTCATCTACAGGTGCTTTAT[C>T]TTTAAAAAAAGTTCCAGAAAAGATGGTTGTTATTGGTGCAGGAGTAATAGGTGTAGAATT-3'
Protein context (NP_000099.2, residues 198-218): DTIVSSTGAL[Ser208Phe]LKKVPEKMVV

ClinVar aggregate classification (germline): Uncertain significance (1 of 4 stars; one submission).

Submission:

Women's Health and Genetics/Laboratory Corporation of America, LabCorp
Classification: Uncertain significance. Last evaluated: 2025-11-07. Review status: criteria provided, single submitter. Criteria: LabCorp Variant Classification Summary - May 2015. Collection method: clinical testing. Allele origin: germline.
Comment: Variant summary: DLD c.623C>T (p.Ser208Phe) results in a non-conservative amino acid change in the encoded protein sequence. Algorithms developed to predict the effect of missense changes on protein structure and function are either unavailable or do not agree on the potential impact of this missense change. The variant was absent in 251276 control chromosomes. c.623C>T has been observed in the homozygous state in at least 1 individual(s) affected with Dihydrolipoamide Dehydrogenase Deficiency (MSUD Type 3) (example, Alfarsi_2021). These data indicate that the variant may be associated with disease. To our knowledge, no experimental evidence demonstrating an impact on protein function has been reported. The following publications have been ascertained in the context of this evaluation (PMID: 37113760, 34745891). No submitters have cited clinical-significance assessments for this variant to ClinVar. Based on the evidence outlined above, the variant was classified as VUS-possibly pathogenic.

Literature cited by the submitters: PubMed 37113760; PubMed 34745891.